The following is an entry in ClinVar:

NM_024422.6(DSC2):c.748T>A (p.Phe250Ile)

Gene: DSC2 (desmocollin 2; minus strand). Cytogenetic location: 18q12.1.
Variant type: single nucleotide variant.
Coding change: c.748T>A on transcript NM_024422.6 (MANE Select); coding-DNA position 748, T replaced by A.
Protein change: p.Phe250Ile; replaces phenylalanine 250 with isoleucine.
Molecular consequence: missense variant.
Genome position (GRCh38, 1-based): chr18:31,087,696, A>T on the plus strand (T>A on the coding strand, the complement: DSC2 is on the minus strand). VCF-style: chr18-31087696-A-T. GRCh37 (hg19) VCF-style: chr18-28667659-A-T.
Other names: c.319T>A, p.Phe107Ile (NM_001406507.1, NM_001406506.1); c.748T>A, p.Phe250Ile (NM_004949.5); short protein forms F107I, F250I.
Identifiers: ClinVar variation 2711623 (VCV002711623.3), dbSNP rs111556656, ClinGen allele CA402112666.
Genomic context (GRCh38, chr18:31,087,696, plus strand): 5'-AATTTGCCATATATTGTTTAAGGAGGTACTCACCCACTCTGCAATTTTCAAAAATTGTAA[A>T]AGTATAAGTTTCTTCTGTAAAAATTGGGTAGTTATCATTTTCATCCTCTATTTTGATTAT-3'
Protein context (NP_077740.1, residues 240-260): YPIFTEETYT[Phe250Ile]TIFENCRVGT

ClinVar aggregate classification (germline): Uncertain significance (1 of 4 stars; one submission).

Conditions:
Arrhythmogenic right ventricular dysplasia 11. Also called: ARRHYTHMOGENIC RIGHT VENTRICULAR DYSPLASIA, FAMILIAL, 11; Arrhythmogenic Right Ventricular Dysplasia/Cardiomyopathy11; Arrhythmogenic right ventricular dysplasia 11 with mild palmoplantar keratoderma and woolly hair. Identifiers: MedGen C1864850, MONDO:0012506, OMIM 610476.

gnomAD v4.1: 2 of 1,613,276 alleles (0.00012%); highest among the groups gnomAD compares: Non-Finnish European, 0.00017%; no homozygotes.

Submission:

Labcorp Genetics (formerly Invitae), Labcorp
Classification: Uncertain significance for Arrhythmogenic right ventricular dysplasia 11. Last evaluated: 2023-11-27. Review status: criteria provided, single submitter. Criteria: Invitae Variant Classification Sherloc (09022015). Collection method: clinical testing. Allele origin: germline.
Comment: This sequence change replaces phenylalanine, which is neutral and non-polar, with isoleucine, which is neutral and non-polar, at codon 250 of the DSC2 protein (p.Phe250Ile). This variant is not present in population databases (gnomAD no frequency). This variant has not been reported in the literature in individuals affected with DSC2-related conditions. Advanced modeling of protein sequence and biophysical properties (such as structural, functional, and spatial information, amino acid conservation, physicochemical variation, residue mobility, and thermodynamic stability) has been performed at Invitae for this missense variant, however the output from this modeling did not meet the statistical confidence thresholds required to predict the impact of this variant on DSC2 protein function. In summary, the available evidence is currently insufficient to determine the role of this variant in disease. Therefore, it has been classified as a Variant of Uncertain Significance.